The following is an entry in ClinVar:

NM_004364.5(CEBPA):c.1010C>G (p.Thr337Arg)

Gene: CEBPA (CCAAT enhancer binding protein alpha; minus strand). Cytogenetic location: 19q13.11.
Variant type: single nucleotide variant.
Coding change: c.1010C>G on transcript NM_004364.5 (MANE Select); coding-DNA position 1010, C replaced by G.
Protein change: p.Thr337Arg; replaces threonine 337 with arginine.
Molecular consequence: missense variant.
Genome position (GRCh38, 1-based): chr19:33,301,405, G>C on the plus strand (C>G on the coding strand, the complement: CEBPA is on the minus strand). VCF-style: chr19-33301405-G-C. GRCh37 (hg19) VCF-style: chr19-33792311-G-C.
Other names: c.653C>G, p.Thr218Arg (NM_001285829.2); c.1115C>G, p.Thr372Arg (NM_001287424.2); c.968C>G, p.Thr323Arg (NM_001287435.2); short protein forms T218R, T372R, T337R, T323R.
Identifiers: ClinVar variation 4610975 (VCV004610975.1).

ClinVar aggregate classification (germline): Uncertain significance (1 of 4 stars; one submission).

Conditions:
Inborn genetic diseases. Identifiers: MedGen C0950123, MeSH D030342.

Submission:

Ambry Genetics
Classification: Uncertain significance for Inborn genetic diseases. Last evaluated: 2025-09-22. Review status: criteria provided, single submitter. Criteria: Ambry Variant Classification Scheme 2023. Collection method: clinical testing. Allele origin: germline.
Comment: The p.T337R variant (also known as c.1010C>G), located in coding exon 1 of the CEBPA gene, results from a C to G substitution at nucleotide position 1010. The threonine at codon 337 is replaced by arginine, an amino acid with similar properties. This amino acid position is conserved. In addition, the in silico prediction for this alteration is inconclusive. Based on the available evidence, the clinical significance of this variant remains unclear.